The following is an entry in ClinVar:

ClinVar aggregate classification (germline): Uncertain significance (1 of 4 stars; one submission).

Submission:

Mayo Clinic Laboratories, Mayo Clinic
Classification: Uncertain significance. Last evaluated: 2025-06-01. Review status: criteria provided, single submitter. Criteria: ACMG Guidelines, 2015. Collection method: clinical testing. Allele origin: germline. Observed: 1 variant allele.
Comment: PM2_supporting

NM_001256071.3(RNF213):c.6506_6507del (p.Gln2169fs)

Gene: RNF213 (ring finger protein 213; plus strand). Cytogenetic location: 17q25.3.
Variant type: Deletion.
Coding change: c.6506_6507del on transcript NM_001256071.3 (MANE Select); coding-DNA positions 6506 to 6507, 2 bases deleted (AG; older notation c.6506_6507delAG).
Protein change: p.Gln2169fs; shifts the reading frame from glutamine 2169.
Molecular consequence: frameshift variant.
Genome position (GRCh38, 1-based): chr17:80,344,841-80,344,842, AG deleted. VCF-style (leftmost placement, unchanged base first): chr17-80344840-CAG-C. GRCh37 (hg19) VCF-style: chr17-78318640-CAG-C.
Other names: p.Gln2169Leufs*61; c.6653_6654del, p.Gln2218fs (NM_001410195.1, NM_020914.5); short protein forms Q2218fs, Q2169fs.
Identifiers: ClinVar variation 4542235 (VCV004542235.1).